The following is an entry in ClinVar:

NM_002838.5(PTPRC):c.649A>G (p.Thr217Ala)

Gene: PTPRC (protein tyrosine phosphatase receptor type C; plus strand). Cytogenetic location: 1q32.1.
Variant type: single nucleotide variant.
Coding change: c.649A>G on transcript NM_002838.5 (MANE Select); coding-DNA position 649, A replaced by G.
Protein change: p.Thr217Ala; replaces threonine 217 with alanine.
Molecular consequence: missense variant.
Genome position (GRCh38, 1-based): chr1:198,703,363, A>G. VCF-style: chr1-198703363-A-G. GRCh37 (hg19) VCF-style: chr1-198672492-A-G.
Other names: c.643A>G (NM_002838.3); c.166A>G, p.Thr56Ala (NM_080921.4); short protein forms T217A, T56A.
Identifiers: ClinVar variation 1374465 (VCV001374465.6), dbSNP rs146065363, ClinGen allele CA1314556.

ClinVar aggregate classification (germline): Uncertain significance. Review status: criteria provided, multiple submitters, no conflicts (2 of 4 stars). 2 submissions from 2 submitters: Uncertain significance (2). Last evaluated 2025-12-03.

Conditions:
Inborn genetic diseases. Identifiers: MedGen C0950123, MeSH D030342.
Immunodeficiency 104. Also called: SCID, AUTOSOMAL RECESSIVE, T CELL-NEGATIVE, B CELL-POSITIVE, NK CELL-POSITIVE; Severe Combined Immune Deficiency, Autosomal Recessive, TCell -Negative, B Cell-Positive, NK Cell-Positive, IL7R-Related; IMMUNODEFICIENCY 104, SEVERE COMBINED; Severe combined immunodeficiency, autosomal recessive, T cell-negative, B cell-positive, NK cell-positive. Identifiers: MedGen C5676890, MONDO:0012163, OMIM 608971.

Allele frequency attached by ClinVar (database versions not stated): gnomAD exomes below 0.00001 and 0.00001; ExAC 0.00002; TOPMed 0.00003; gnomAD 0.00005; ESP Exome Variant Server 0.00015.
gnomAD v4.1: 10 of 1,612,756 alleles (0.00062%); highest among the groups gnomAD compares: African/African-American, 0.012%; no homozygotes.

Submissions (2):

Ambry Genetics
Classification: Uncertain significance for Inborn genetic diseases. Last evaluated: 2025-12-03. Review status: criteria provided, single submitter. Criteria: Ambry Variant Classification Scheme 2023. Collection method: clinical testing. Allele origin: germline.

Labcorp Genetics (formerly Invitae), Labcorp
Classification: Uncertain significance for Immunodeficiency 104. Last evaluated: 2024-01-08. Review status: criteria provided, single submitter. Criteria: Invitae Variant Classification Sherloc (09022015). Collection method: clinical testing. Allele origin: germline.
Comment: This sequence change replaces threonine, which is neutral and polar, with alanine, which is neutral and non-polar, at codon 217 of the PTPRC protein (p.Thr217Ala). This variant is present in population databases (rs146065363, gnomAD 0.02%). This variant has not been reported in the literature in individuals affected with PTPRC-related conditions. ClinVar contains an entry for this variant (Variation ID: 1374465). Algorithms developed to predict the effect of missense changes on protein structure and function output the following: SIFT: "Not Available"; PolyPhen-2: "Benign"; Align-GVGD: "Not Available". The alanine amino acid residue is found in multiple mammalian species, which suggests that this missense change does not adversely affect protein function. In summary, the available evidence is currently insufficient to determine the role of this variant in disease. Therefore, it has been classified as a Variant of Uncertain Significance.